The following is an entry in ClinVar:

NM_006341.4(MAD2L2):c.610G>T (p.Glu204Ter)

Gene: MAD2L2 (mitotic arrest deficient 2 like 2; minus strand). Cytogenetic location: 1p36.22.
Variant type: single nucleotide variant.
Coding change: c.610G>T on transcript NM_006341.4 (MANE Select); coding-DNA position 610, G replaced by T.
Protein change: p.Glu204Ter; replaces glutamic acid 204 with a stop codon.
Molecular consequence: nonsense.
Genome position (GRCh38, 1-based): chr1:11,674,801, C>A on the plus strand (G>T on the coding strand, the complement: MAD2L2 is on the minus strand). VCF-style: chr1-11674801-C-A. GRCh37 (hg19) VCF-style: chr1-11734858-C-A.
Other names: c.610G>T, p.Glu204Ter (NM_001127325.2); short protein forms E204*.
Identifiers: ClinVar variation 4734047 (VCV004734047.1).
Genomic context (GRCh38, chr1:11,674,801, plus strand): 5'-CAGTTTGGGCATCAGTGGGGTGGCAGGTGCCCCCTCAGCTGCCTTTATGAGCGCGCTCTT[C>A]CACGTAAAGCTGCATCTGACGGACACAAGCAAACAGCCACAGTCAGCAAGACAGCCAGGG-3'

ClinVar aggregate classification (germline): Uncertain significance (1 of 4 stars; one submission).

Submission:

Labcorp Genetics (formerly Invitae), Labcorp
Classification: Uncertain significance. Last evaluated: 2025-12-24. Review status: criteria provided, single submitter. Criteria: Invitae Variant Classification Sherloc (09022015). Collection method: clinical testing. Allele origin: germline.
Comment: This sequence change creates a premature translational stop signal (p.Glu204*) in the MAD2L2 gene. While this is not anticipated to result in nonsense mediated decay, it is expected to disrupt the last 8 amino acid(s) of the MAD2L2 protein. This variant is not present in population databases (gnomAD no frequency). This variant has not been reported in the literature in individuals affected with MAD2L2-related conditions. Experimental studies and prediction algorithms are not available or were not evaluated, and the functional significance of this variant is currently unknown. Algorithms developed to predict the effect of sequence changes on RNA splicing suggest that this variant may disrupt the consensus splice site. In summary, the available evidence is currently insufficient to determine the role of this variant in disease. Therefore, it has been classified as a Variant of Uncertain Significance.